The following is an entry in ClinVar:

NM_144599.5(NIPA1):c.24GGC[12] (p.Ala13_Ala16dup)

Genes: NIPA1 (NIPA magnesium transporter 1; plus strand), LOC130056709 (ATAC-STARR-seq lymphoblastoid silent region 6259; plus strand). Cytogenetic location: 15q11.2.
Variant type: Microsatellite.
Coding change: c.24GGC[12] on transcript NM_144599.5 (MANE Select); 12 copies in a row of the 3-base unit GGC starting at c.24; the reference has eight copies in a row; four copies, 12 bases duplicated.
Protein change: p.Ala13_Ala16dup.
Molecular consequence: inframe insertion. On other transcripts: intron variant (1).
Genome position (GRCh38, 1-based): chr15:22,786,692-22,786,703, GGCGGCGGCGGC duplicated; duplicating any 12 consecutive bases within chr15:22,786,678-22,786,703 gives the same sequence; the position shown is the placement nearest the transcript's 3' end. VCF-style (leftmost placement, unchanged base first): chr15-22786677-A-AGCGGCGGCGGCG. GRCh37 (hg19) VCF-style: chr15-23086364-G-GGCCGCCGCCGCC.
Other names: c.-48+430GCG[12] (NM_001142275.1).
Identifiers: ClinVar variation 569841 (VCV000569841.9), dbSNP rs531550505, ClinGen allele CA711208614.

ClinVar aggregate classification (germline): Uncertain significance (1 of 4 stars; one submission).

Conditions:
Hereditary spastic paraplegia 6 (SPG6). Also called: SPASTIC PARAPLEGIA 6, AUTOSOMAL DOMINANT. Identifiers: Orphanet 100988, MedGen C1838192, MONDO:0010878, OMIM 600363.

Submission:

Labcorp Genetics (formerly Invitae), Labcorp
Classification: Uncertain significance for Hereditary spastic paraplegia 6. Last evaluated: 2024-07-30. Review status: criteria provided, single submitter. Criteria: Invitae Variant Classification Sherloc (09022015). Collection method: clinical testing. Allele origin: germline.
Comment: This variant, c.36_47dup, results in the insertion of 4 amino acid(s) of the NIPA1 protein (p.Ala13_Ala16dup), but otherwise preserves the integrity of the reading frame. The frequency data for this variant in the population databases is considered unreliable, as metrics indicate insufficient coverage at this position in the gnomAD database. This variant has not been reported in the literature in individuals affected with NIPA1-related conditions. Experimental studies and prediction algorithms are not available or were not evaluated, and the functional significance of this variant is currently unknown. In summary, the available evidence is currently insufficient to determine the role of this variant in disease. Therefore, it has been classified as a Variant of Uncertain Significance.